The following is an entry in ClinVar:

ClinVar aggregate classification (germline): Uncertain significance (1 of 4 stars; one submission).

Conditions:
COG7 congenital disorder of glycosylation (CDG2E). Also called: CONGENITAL DISORDER OF GLYCOSYLATION, TYPE IIe; CDG IIe. Identifiers: Orphanet 79333, MedGen C2931010, MONDO:0012118, OMIM 608779.

Submission:

Labcorp Genetics (formerly Invitae), Labcorp
Classification: Uncertain significance for COG7 congenital disorder of glycosylation. Last evaluated: 2022-12-06. Review status: criteria provided, single submitter. Criteria: Invitae Variant Classification Sherloc (09022015). Collection method: clinical testing. Allele origin: germline.
Comment: In summary, the available evidence is currently insufficient to determine the role of this variant in disease. Therefore, it has been classified as a Variant of Uncertain Significance. Algorithms developed to predict the effect of sequence changes on RNA splicing suggest that this variant may disrupt the consensus splice site. Algorithms developed to predict the effect of missense changes on protein structure and function are either unavailable or do not agree on the potential impact of this missense change (SIFT: "Deleterious"; PolyPhen-2: "Possibly Damaging"; Align-GVGD: "Class C0"). ClinVar contains an entry for this variant (Variation ID: 1504127). This variant has not been reported in the literature in individuals affected with COG7-related conditions. This variant is not present in population databases (gnomAD no frequency). This sequence change replaces glutamic acid, which is acidic and polar, with glycine, which is neutral and non-polar, at codon 56 of the COG7 protein (p.Glu56Gly).

NM_153603.4(COG7):c.167A>G (p.Glu56Gly)

Gene: COG7 (component of oligomeric golgi complex 7; minus strand). Cytogenetic location: 16p12.2.
Variant type: single nucleotide variant.
Coding change: c.167A>G on transcript NM_153603.4 (MANE Select); coding-DNA position 167, A replaced by G.
Protein change: p.Glu56Gly; replaces glutamic acid 56 with glycine.
Molecular consequence: missense variant.
Genome position (GRCh38, 1-based): chr16:23,452,828, T>C on the plus strand (A>G on the coding strand, the complement: COG7 is on the minus strand). VCF-style: chr16-23452828-T-C. GRCh37 (hg19) VCF-style: chr16-23464149-T-C.
Other names: short protein forms E56G.
Identifiers: ClinVar variation 1504127 (VCV001504127.6), dbSNP rs977110347, ClinGen allele CA395118185.